The following is an entry in ClinVar:

NM_001374820.1(ARID1B):c.3384+730dup

Gene: ARID1B (AT-rich interaction domain 1B; plus strand). Cytogenetic location: 6q25.3.
Variant type: Duplication.
Coding change: c.3384+730dup on transcript NM_001374820.1; 730 bases into the intron after coding-DNA position 3384, one base duplicated (G; older notation c.3384+730dupG).
Molecular consequence: intron variant.
Genome position (GRCh38, 1-based): chr6:157,174,847, G duplicated; the last of 2 consecutive G bases (chr6:157,174,846-157,174,847); duplicating either gives the same sequence. VCF-style (leftmost placement, unchanged base first): chr6-157174845-A-AG. GRCh37 (hg19) VCF-style: chr6-157495979-A-AG.
Other names: NM_017519.3:c.3345+730dup; c.3384+730dup (NM_001371656.1); c.3387+730dup (NM_001438486.1); c.3345+730dup (NM_017519.3); c.846+730dup (NM_001438488.1).
Identifiers: ClinVar variation 4974515 (VCV004974515.1).
Genomic context (GRCh38, chr6:157,174,845, plus strand): 5'-TTATTTTAAATAAAGTTTGCCCTACCTTTGTCATTTTTTTTTTTTTTATTCCTCTACCAC[A>AG]GGATAGCTACAGCTCTCAGGGTATTTCTCAGCCCCCAACCCCAGGCAACCTGCCAGTCCC-3'

ClinVar aggregate classification (germline): Uncertain significance (1 of 4 stars; one submission).

Conditions:
Coffin-Siris syndrome. Identifiers: Orphanet 1465, MedGen C0265338, MONDO:0015452.

Submission:

Broad Center for Mendelian Genomics, Broad Institute of MIT and Harvard
Classification: Uncertain significance for Coffin-Siris syndrome. Last evaluated: 2026-08-26. Review status: criteria provided, single submitter. Criteria: ACMG Guidelines, 2015. Collection method: research. Allele origin: germline. Inheritance: Autosomal dominant inheritance. Study: GREGoR Consortium.
Comment: The c.3346dup variant in ARID1B has not been previously reported in the literature in individuals with Coffin-Siris syndrome, and was absent from large population studies. This variant is predicted to cause a frameshift, which alters the protein’s amino acid sequence beginning at position 1116 and leads to a premature termination codon 2 amino acids downstream. This alteration is then predicted to lead to a truncated or absent protein. This variant is also located in the 3' splice region. SpliceAI predictions indicate use of an out-of-frame cryptic splice site 1 base from the intron-exon boundary, providing evidence that this variant may cause a frameshift and lead to a premature termination codon downstream. This alteration is then predicted to lead to a truncated or absent protein. However, this information is not predictive enough to determine pathogenicity. Heterozygous loss of function of the ARID1B gene is an established disease mechanism in Coffin-Siris syndrome. In summary, although additional studies are required to fully establish its clinical significance, this variant is likely pathogenic for autosomal dominant Coffin-Siris syndrome. ACMG/AMP Criteria applied: PVS1, PM2_supporting (Richards 2015).